The following is an entry in ClinVar:

NM_002519.3(NPAT):c.2661_2663del (p.Val889del)

Gene: NPAT (nuclear protein, coactivator of histone transcription; minus strand). Cytogenetic location: 11q22.3.
Variant type: Deletion.
Coding change: c.2661_2663del on transcript NM_002519.3 (MANE Select); coding-DNA positions 2661 to 2663, 3 bases deleted (AGT; older notation c.2661_2663delAGT).
Protein change: p.Val889del; deletes valine 889.
Molecular consequence: inframe deletion.
Genome position (GRCh38, 1-based): chr11:108,172,321-108,172,323, ACT deleted on the plus strand (AGT on the coding strand, the reverse complement: NPAT is on the minus strand); deleting any 3 consecutive bases within chr11:108,172,321-108,172,325 gives the same sequence; the c. name uses the placement nearest the transcript's 3' end. VCF-style (leftmost placement, unchanged base first): chr11-108172320-CACT-C. GRCh37 (hg19) VCF-style: chr11-108043047-CACT-C.
Other names: c.2661_2663del, p.Val889del (NM_001321307.1); short protein forms V889del.
Identifiers: ClinVar variation 1929054 (VCV001929054.6), dbSNP rs1404663144, ClinGen allele CA601931551.

ClinVar aggregate classification (germline): Uncertain significance. Review status: criteria provided, multiple submitters, no conflicts (2 of 4 stars). 2 submissions from 2 submitters: Uncertain significance (2). Last evaluated 2022-10-02.

Submissions (2):

Labcorp Genetics (formerly Invitae), Labcorp
Classification: Uncertain significance. Last evaluated: 2022-10-02. Review status: criteria provided, single submitter. Criteria: Invitae Variant Classification Sherloc (09022015). Collection method: clinical testing. Allele origin: germline.
Comment: This variant is present in population databases (no rsID available, gnomAD 0.006%). This variant, c.2661_2663del, results in the deletion of 1 amino acid(s) of the NPAT protein (p.Val889del), but otherwise preserves the integrity of the reading frame. In summary, the available evidence is currently insufficient to determine the role of this variant in disease. Therefore, it has been classified as a Variant of Uncertain Significance. Experimental studies and prediction algorithms are not available or were not evaluated, and the functional significance of this variant is currently unknown. This variant has not been reported in the literature in individuals affected with NPAT-related conditions.

Breakthrough Genomics
Classification: Uncertain significance. Review status: criteria provided, single submitter. Criteria: ACMG Guidelines, 2015. Collection method: not provided. Allele origin: germline. Inheritance: Unknown mechanism. Affected: yes.